The following is an entry in ClinVar:

NM_017617.5(NOTCH1):c.1871C>G (p.Ala624Gly)

Gene: NOTCH1 (notch receptor 1; minus strand). Cytogenetic location: 9q34.3.
Variant type: single nucleotide variant.
Coding change: c.1871C>G on transcript NM_017617.5 (MANE Select); coding-DNA position 1871, C replaced by G.
Protein change: p.Ala624Gly; replaces alanine 624 with glycine.
Molecular consequence: missense variant.
Genome position (GRCh38, 1-based): chr9:136,515,515, G>C on the plus strand (C>G on the coding strand, the complement: NOTCH1 is on the minus strand). VCF-style: chr9-136515515-G-C. GRCh37 (hg19) VCF-style: chr9-139409967-G-C.
Other names: c.1871C>G (NM_017617.3); short protein forms A624G.
Identifiers: ClinVar variation 2186410 (VCV002186410.5), dbSNP rs2133363399, ClinGen allele CA375559598.

ClinVar aggregate classification (germline): Conflicting classifications of pathogenicity. Review status: criteria provided, conflicting classifications (1 of 4 stars). 2 submissions from 2 submitters: Uncertain significance (1); Likely benign (1). Last evaluated 2026-05-12.

Conditions:
Adams-Oliver syndrome 5 (AOS5). Identifiers: Orphanet 974, MedGen C4014970, MONDO:0014459, OMIM 616028.
Familial thoracic aortic aneurysm and aortic dissection (TAAD). Also called: Thoracic aortic aneurysms and dissections. Identifiers: Orphanet 91387, MedGen C4707243, MONDO:0019625.

Submissions (2):

Ambry Genetics
Classification: Likely benign for Familial thoracic aortic aneurysm and aortic dissection. Last evaluated: 2026-05-12. Review status: criteria provided, single submitter. Criteria: Ambry Variant Classification Scheme 2023. Collection method: clinical testing. Allele origin: germline.

Labcorp Genetics (formerly Invitae), Labcorp
Classification: Uncertain significance for Adams-Oliver syndrome 5. Last evaluated: 2023-11-27. Review status: criteria provided, single submitter. Criteria: Invitae Variant Classification Sherloc (09022015). Collection method: clinical testing. Allele origin: germline.
Comment: This sequence change replaces alanine, which is neutral and non-polar, with glycine, which is neutral and non-polar, at codon 624 of the NOTCH1 protein (p.Ala624Gly). This variant is not present in population databases (gnomAD no frequency). This variant has not been reported in the literature in individuals affected with NOTCH1-related conditions. ClinVar contains an entry for this variant (Variation ID: 2186410). Advanced modeling of protein sequence and biophysical properties (such as structural, functional, and spatial information, amino acid conservation, physicochemical variation, residue mobility, and thermodynamic stability) performed at Invitae indicates that this missense variant is not expected to disrupt NOTCH1 protein function with a negative predictive value of 80%. In summary, the available evidence is currently insufficient to determine the role of this variant in disease. Therefore, it has been classified as a Variant of Uncertain Significance.